The following is an entry in ClinVar:

NM_170707.4(LMNA):c.1349A>G (p.Lys450Arg)

Gene: LMNA (lamin A/C; plus strand). Cytogenetic location: 1q22.
Variant type: single nucleotide variant.
Coding change: c.1349A>G on transcript NM_170707.4 (MANE Select); coding-DNA position 1349, A replaced by G.
Protein change: p.Lys450Arg; replaces lysine 450 with arginine.
Molecular consequence: missense variant.
Genome position (GRCh38, 1-based): chr1:156,136,405, A>G. VCF-style: chr1-156136405-A-G. GRCh37 (hg19) VCF-style: chr1-156106196-A-G.
Other names: c.1013A>G, p.Lys338Arg (NM_001257374.3, NM_001406989.1, NM_001406998.1); c.1106A>G, p.Lys369Arg (NM_001282624.2, NM_001406986.1, NM_001406987.1); c.1349A>G, p.Lys450Arg (NM_001282625.2, NM_001282626.2, NM_001406983.1 and 6 more transcripts); c.1052A>G, p.Lys351Arg (NM_001406988.1); c.791A>G, p.Lys264Arg (NM_001406990.1, NM_001406993.1, NM_001406995.1 and 4 more transcripts); c.725A>G, p.Lys242Arg (NM_001406994.1, NM_001406999.1, NM_001407000.1 and 1 more transcripts); short protein forms K242R, K264R, K338R, K351R, K369R, K450R.
Identifiers: ClinVar variation 3894291 (VCV003894291.1).

ClinVar aggregate classification (germline): Uncertain significance (1 of 4 stars; one submission).

Conditions:
Cardiomyopathy (CMYO). Also called: Cardiomyopathies. Identifiers: Orphanet 167848, MedGen C0878544, MONDO:0004994, HP:0001638. Inheritance: Various modes of inheritance.

Submission:

Color Diagnostics, LLC DBA Color Health
Classification: Uncertain significance for Cardiomyopathy. Last evaluated: 2025-04-06. Review status: criteria provided, single submitter. Criteria: ACMG Guidelines, 2015. Collection method: clinical testing. Allele origin: germline.
Comment: This missense variant replaces lysine with arginine at codon 450 of the LMNA protein. Computational prediction is inconclusive regarding the impact of this variant on protein structure and function (internally defined REVEL score threshold 0.5 < inconclusive < 0.7, PMID: 27666373). To our knowledge, functional studies have not been reported for this variant. This variant has not been reported in individuals affected with LMNA-related disorders in the literature. This variant has not been identified in the general population by the Genome Aggregation Database (gnomAD). The available evidence is insufficient to determine the role of this variant in disease conclusively. Therefore, this variant is classified as a Variant of Uncertain Significance.